The following is an entry in ClinVar:

ClinVar aggregate classification (germline): Uncertain significance (1 of 4 stars; one submission).

gnomAD v4.1: 7 of 1,614,050 alleles (0.00043%); highest among the groups gnomAD compares: Non-Finnish European, 0.00059%; no homozygotes.

Submission:

Labcorp Genetics (formerly Invitae), Labcorp
Classification: Uncertain significance. Last evaluated: 2022-09-19. Review status: criteria provided, single submitter. Criteria: Invitae Variant Classification Sherloc (09022015). Collection method: clinical testing. Allele origin: germline.
Comment: In summary, the available evidence is currently insufficient to determine the role of this variant in disease. Therefore, it has been classified as a Variant of Uncertain Significance. Advanced modeling of protein sequence and biophysical properties (such as structural, functional, and spatial information, amino acid conservation, physicochemical variation, residue mobility, and thermodynamic stability) performed at Invitae indicates that this missense variant is not expected to disrupt LRP2 protein function. This variant has not been reported in the literature in individuals affected with LRP2-related conditions. This variant is not present in population databases (gnomAD no frequency). This sequence change replaces lysine, which is basic and polar, with glutamic acid, which is acidic and polar, at codon 4162 of the LRP2 protein (p.Lys4162Glu).

NM_004525.3(LRP2):c.12484A>G (p.Lys4162Glu)

Gene: LRP2 (LDL receptor related protein 2; minus strand). Cytogenetic location: 2q31.1.
Variant type: single nucleotide variant.
Coding change: c.12484A>G on transcript NM_004525.3 (MANE Select); coding-DNA position 12484, A replaced by G.
Protein change: p.Lys4162Glu; replaces lysine 4162 with glutamic acid.
Molecular consequence: missense variant.
Genome position (GRCh38, 1-based): chr2:169,151,004, T>C on the plus strand (A>G on the coding strand, the complement: LRP2 is on the minus strand). VCF-style: chr2-169151004-T-C. GRCh37 (hg19) VCF-style: chr2-170007514-T-C.
Other names: short protein forms K4162E.
Identifiers: ClinVar variation 2125125 (VCV002125125.4), dbSNP rs375699810, ClinGen allele CA349134311.